The following is an entry in ClinVar:

ClinVar aggregate classification (germline): Uncertain significance. Review status: criteria provided, multiple submitters, no conflicts (2 of 4 stars). 2 submissions from 2 submitters: Uncertain significance (2). Last evaluated 2023-06-12.

Conditions:
TRRAP-related disorder. Also called: TRRAP-related condition.

Allele frequency attached by ClinVar (database versions not stated): gnomAD exomes below 0.00001; TOPMed below 0.00001; gnomAD 0.00001.
gnomAD v4.1: 2 of 1,613,998 alleles (0.00012%); highest among the groups gnomAD compares: Non-Finnish European, 0.00017%; no homozygotes.

Submissions (2):

PreventionGenetics, part of Exact Sciences
Classification: Uncertain significance for TRRAP-related condition. Last evaluated: 2023-06-12. Review status: criteria provided, single submitter. Criteria: ACMG Guidelines, 2015. Collection method: clinical testing. Allele origin: germline.
Comment: The TRRAP c.4610G>A variant is predicted to result in the amino acid substitution p.Arg1537Gln. To our knowledge, this variant has not been reported in the literature or in a large population database, indicating this variant is rare. At this time, the clinical significance of this variant is uncertain due to the absence of conclusive functional and genetic evidence.

Labcorp Genetics (formerly Invitae), Labcorp
Classification: Uncertain significance. Last evaluated: 2022-05-28. Review status: criteria provided, single submitter. Criteria: Invitae Variant Classification Sherloc (09022015). Collection method: clinical testing. Allele origin: germline.
Comment: This variant is not present in population databases (gnomAD no frequency). This sequence change replaces arginine, which is basic and polar, with glutamine, which is neutral and polar, at codon 1537 of the TRRAP protein (p.Arg1537Gln). This variant has not been reported in the literature in individuals affected with TRRAP-related conditions. Algorithms developed to predict the effect of missense changes on protein structure and function are either unavailable or do not agree on the potential impact of this missense change (SIFT: "Tolerated"; PolyPhen-2: "Possibly Damaging"; Align-GVGD: "Class C0"). In summary, the available evidence is currently insufficient to determine the role of this variant in disease. Therefore, it has been classified as a Variant of Uncertain Significance.

NM_001375524.1(TRRAP):c.4685G>A (p.Arg1562Gln)

Gene: TRRAP (transformation/transcription domain associated protein; plus strand). Cytogenetic location: 7q22.1.
Variant type: single nucleotide variant.
Coding change: c.4685G>A on transcript NM_001375524.1 (MANE Select); coding-DNA position 4685, G replaced by A.
Protein change: p.Arg1562Gln; replaces arginine 1562 with glutamine.
Molecular consequence: missense variant.
Genome position (GRCh38, 1-based): chr7:98,948,582, G>A. VCF-style: chr7-98948582-G-A. GRCh37 (hg19) VCF-style: chr7-98546205-G-A.
Other names: c.4610G>A (NM_003496.3); c.4664G>A, p.Arg1555Gln (NM_001244580.2); c.4610G>A, p.Arg1537Gln (NM_003496.4); short protein forms R1537Q, R1562Q, R1555Q.
Identifiers: ClinVar variation 2071845 (VCV002071845.5), dbSNP rs1157288984, ClinGen allele CA368312049.